The following is an entry in ClinVar:

NM_004100.5(EYA4):c.872G>A (p.Gly291Glu)

Gene: EYA4 (EYA transcriptional coactivator and phosphatase 4; plus strand). Cytogenetic location: 6q23.2.
Variant type: single nucleotide variant.
Coding change: c.872G>A on transcript NM_004100.5 (MANE Select); coding-DNA position 872, G replaced by A.
Protein change: p.Gly291Glu; replaces glycine 291 with glutamic acid.
Molecular consequence: missense variant.
Genome position (GRCh38, 1-based): chr6:133,468,633, G>A. VCF-style: chr6-133468633-G-A. GRCh37 (hg19) VCF-style: chr6-133789771-G-A.
Other names: c.710G>A, p.Gly237Glu (NM_001301012.2, NM_001370459.1); c.872G>A, p.Gly291Glu (NM_001301013.2, NM_172105.4); c.803G>A, p.Gly268Glu (NM_001370458.1, NM_172103.4); short protein forms G291E, G268E, G237E.
Identifiers: ClinVar variation 2068961 (VCV002068961.4), dbSNP rs2534668840, ClinGen allele CA365703567.

ClinVar aggregate classification (germline): Uncertain significance (1 of 4 stars; one submission).

Conditions:
Dilated cardiomyopathy 1J (CMD1J). Also called: CARDIOMYOPATHY, DILATED, WITH SENSORINEURAL HEARING LOSS, AUTOSOMAL DOMINANT. Identifiers: Orphanet 217622, MedGen C1854368, MONDO:0011541, OMIM 605362.

Submission:

Labcorp Genetics (formerly Invitae), Labcorp
Classification: Uncertain significance for Dilated cardiomyopathy 1J. Last evaluated: 2022-01-01. Review status: criteria provided, single submitter. Criteria: Invitae Variant Classification Sherloc (09022015). Collection method: clinical testing. Allele origin: germline.
Comment: In summary, the available evidence is currently insufficient to determine the role of this variant in disease. Therefore, it has been classified as a Variant of Uncertain Significance. Algorithms developed to predict the effect of missense changes on protein structure and function are either unavailable or do not agree on the potential impact of this missense change (SIFT: "Deleterious"; PolyPhen-2: "Probably Damaging"; Align-GVGD: "Class C15"). This variant has not been reported in the literature in individuals affected with EYA4-related conditions. This variant is not present in population databases (gnomAD no frequency). This sequence change replaces glycine, which is neutral and non-polar, with glutamic acid, which is acidic and polar, at codon 291 of the EYA4 protein (p.Gly291Glu).